The following is an entry in ClinVar:

ClinVar aggregate classification (germline): Uncertain significance. Review status: criteria provided, multiple submitters, no conflicts (2 of 4 stars). 3 submissions from 3 submitters: Uncertain significance (3). Last evaluated 2026-03-01.

Conditions:
Sitosterolemia 2. Identifiers: MedGen C5231453, MONDO:0020748, OMIM 618666.
Sitosterolemia (STSL). Also called: PHYTOSTEROLEMIA. Identifiers: Orphanet 2882, MedGen C0342907, MONDO:0008863.

Allele frequency attached by ClinVar (database versions not stated): gnomAD exomes 0.00002 and 0.00004; TOPMed 0.00003; gnomAD 0.00006 and 0.00005; ExAC 0.00003.
gnomAD v4.1: 45 of 1,614,048 alleles (0.0028%); highest among the groups gnomAD compares: Non-Finnish European, 0.0031%; no homozygotes.

Submissions (3):

CeGaT Center for Human Genetics Tuebingen
Classification: Uncertain significance. Last evaluated: 2026-03-01. Review status: criteria provided, single submitter. Criteria: CeGaT Center For Human Genetics Tuebingen Variant Classification Criteria Version 2. Collection method: clinical testing. Allele origin: germline. Affected: yes. Observed: 1 variant allele.
Comment: ABCG5: PM2

Revvity Omics, Revvity
Classification: Uncertain significance for Sitosterolemia 2. Last evaluated: 2023-06-14. Review status: criteria provided, single submitter. Criteria: ACMG Guidelines, 2015. Collection method: clinical testing. Allele origin: germline.

Labcorp Genetics (formerly Invitae), Labcorp
Classification: Uncertain significance for Sitosterolemia. Last evaluated: 2021-10-28. Review status: criteria provided, single submitter. Criteria: Invitae Variant Classification Sherloc (09022015). Collection method: clinical testing. Allele origin: germline.
Comment: In summary, the available evidence is currently insufficient to determine the role of this variant in disease. Therefore, it has been classified as a Variant of Uncertain Significance. Algorithms developed to predict the effect of missense changes on protein structure and function are either unavailable or do not agree on the potential impact of this missense change (SIFT: "Deleterious"; PolyPhen-2: "Probably Damaging"; Align-GVGD: "Class C0"). ClinVar contains an entry for this variant (Variation ID: 849750). This variant has not been reported in the literature in individuals affected with ABCG5-related conditions. This variant is present in population databases (rs752962014, gnomAD 0.01%). This sequence change replaces arginine, which is basic and polar, with tryptophan, which is neutral and slightly polar, at codon 406 of the ABCG5 protein (p.Arg406Trp).

NM_022436.3(ABCG5):c.1216C>T (p.Arg406Trp)

Genes: ABCG5 (ATP binding cassette subfamily G member 5; minus strand), DYNC2LI1 (dynein cytoplasmic 2 light intermediate chain 1; plus strand). Cytogenetic location: 2p21.
Variant type: single nucleotide variant.
Coding change: c.1216C>T on transcript NM_022436.3 (MANE Select); coding-DNA position 1216, C replaced by T.
Protein change: p.Arg406Trp; replaces arginine 406 with tryptophan.
Molecular consequence: missense variant. On other transcripts: intron variant (2).
Genome position (GRCh38, 1-based): chr2:43,824,021, G>A on the plus strand (C>T on the coding strand, the complement: ABCG5 is on the minus strand). VCF-style: chr2-43824021-G-A. GRCh37 (hg19) VCF-style: chr2-44051160-G-A.
Other names: c.*16-3365G>A (NM_001348913.2, NM_001348912.2); short protein forms R406W.
Identifiers: ClinVar variation 849750 (VCV000849750.13), dbSNP rs752962014, ClinGen allele CA1636364.